The following is an entry in ClinVar:

ClinVar aggregate classification (germline): Conflicting classifications of pathogenicity. Review status: criteria provided, conflicting classifications (1 of 4 stars). 5 submissions from 5 submitters: Uncertain significance (1); Likely benign (2). 2 of the submissions do not count toward it. Last evaluated 2026-03-23.

Conditions:
AHDC1-related intellectual disability - obstructive sleep apnea - mild dysmorphism syndrome. Also called: Xia-Gibbs syndrome. Identifiers: Orphanet 412069, MedGen C4014419, MONDO:0014358, OMIM 615829.

Allele frequency attached by ClinVar (database versions not stated): gnomAD exomes below 0.00001.
gnomAD v4.1: 2 of 1,592,740 alleles (0.00013%); highest among the groups gnomAD compares: Middle Eastern, 0.04%; no homozygotes.

Submissions (5):

Umrani?ye Training and Research Hospital
Classification: Likely benign for AHDC1-related intellectual disability - obstructive sleep apnea - mild dysmorphism syndrome. Last evaluated: 2026-03-23. Review status: criteria provided, single submitter. Criteria: ACMG Guidelines, 2015. Collection method: provider interpretation. Allele origin: de novo. Inheritance: Autosomal dominant inheritance. Affected: yes. Observed: 1 variant allele.
Comment: PM2,BP6

Blueprint Genetics
Classification: Uncertain significance. Last evaluated: 2024-09-09. Review status: criteria provided, single submitter. Criteria: ACMG Guidelines, 2015. Collection method: clinical testing. Allele origin: germline.

Labcorp Genetics (formerly Invitae), Labcorp
Classification: Likely benign. Last evaluated: 2024-07-09. Review status: criteria provided, single submitter. Criteria: Invitae Variant Classification Sherloc (09022015). Collection method: clinical testing. Allele origin: germline.

OMIM
Classification: Pathogenic for XIA-GIBBS SYNDROME. Last evaluated: 2020-12-07. Review status: no assertion criteria provided. Collection method: literature only. Allele origin: germline. Not counted in ClinVar's aggregate classification.

Clinical Genetics Laboratory, Harran University
Classification: Likely pathogenic for AHDC1-related intellectual disability - obstructive sleep apnea - mild dysmorphism syndrome. Last evaluated: 2018-03-12. Review status: no assertion criteria provided. Collection method: clinical testing. Allele origin: de novo. Inheritance: Sporadic. Affected: yes. Observed: 1 heterozygote. Not counted in ClinVar's aggregate classification.

Literature cited by the submitters: PubMed 42136190 (cited by Umrani?ye Training and Research Hospital); PubMed 30858058 (cited by OMIM).

NM_001371928.1(AHDC1):c.4370A>G (p.Asp1457Gly)

Gene: AHDC1 (AT-hook DNA binding motif containing 1; minus strand). Cytogenetic location: 1p36.11.
Variant type: single nucleotide variant.
Coding change: c.4370A>G on transcript NM_001371928.1 (MANE Select); coding-DNA position 4370, A replaced by G.
Protein change: p.Asp1457Gly; replaces aspartic acid 1457 with glycine.
Molecular consequence: missense variant.
Genome position (GRCh38, 1-based): chr1:27,547,746, T>C on the plus strand (A>G on the coding strand, the complement: AHDC1 is on the minus strand). VCF-style: chr1-27547746-T-C. GRCh37 (hg19) VCF-style: chr1-27874257-T-C.
Other names: NP_001025053.1:p.(Asp1457Gly); c.4370A>G, p.Asp1457Gly (NM_001029882.3); short protein forms D1457G.
Identifiers: ClinVar variation 585204 (VCV000585204.8), dbSNP rs1557655967, ClinGen allele CA339222438.